The following is an entry in ClinVar:

ClinVar aggregate classification (germline): Likely pathogenic (1 of 4 stars; one submission).

Conditions:
Hereditary factor VIII deficiency disease (HEMA). Also called: Hemophilia A; Hemophilia A, congenital; HEM A; Factor 8 deficiency, congenital; HEMOPHILIA, CLASSIC; AUTOSOMAL HEMOPHILIA A. Identifiers: Orphanet 98878, MedGen C0019069, MONDO:0010602, OMIM 306700.

Submission:

Laboratory for Molecular Medicine, Mass General Brigham Personalized Medicine
Classification: Likely pathogenic for Hereditary factor VIII deficiency disease. Last evaluated: 2022-11-03. Review status: criteria provided, single submitter. Criteria: ACMG Guidelines, 2015. Collection method: clinical testing. Allele origin: germline.
Comment: The p.Ala1819SerfsX4 variant in F8 has not been reported in individuals with hemophilia and was absent from large population studies. This variant is predicted to cause a frameshift, which alters the protein’s amino acid sequence beginning at position 1819 and leads to a premature termination codon 4 amino acids downstream. This alteration is then predicted to lead to a truncated or absent protein. Loss of function of the F8 gene is an established disease mechanism in X-linked hemophilia A. In summary, although additional studies are required to fully establish its clinical significance, this variant meets criteria to be classified as likely pathogenic for X-linked hemophilia A. ACMG/AMP Criteria applied: PM2_Supporting, PVS1.

NM_000132.4(F8):c.5453dup (p.Ala1819fs)

Gene: F8 (coagulation factor VIII; minus strand). Cytogenetic location: Xq28.
Variant type: Duplication.
Coding change: c.5453dup on transcript NM_000132.4 (MANE Select); coding-DNA position 5453, one base duplicated (G; older notation c.5453dupG).
Protein change: p.Ala1819fs; shifts the reading frame from alanine 1819.
Molecular consequence: frameshift variant.
Genome position (GRCh38, 1-based): chrX:154,904,944, C duplicated on the plus strand (G on the coding strand, the reverse complement: F8 is on the minus strand); the first of 2 consecutive C bases (chrX:154,904,944-154,904,945); duplicating either gives the same sequence. VCF-style (leftmost placement, unchanged base first): chrX-154904943-T-TC. GRCh37 (hg19) VCF-style: chrX-154133218-T-TC.
Other names: short protein forms A1819fs.
Identifiers: ClinVar variation 3075898 (VCV003075898.1), dbSNP rs2523885648, ClinGen allele CA2825002936.